The following is an entry in ClinVar:

NM_006302.3(MOGS):c.7C>G (p.Arg3Gly)

Gene: MOGS (mannosyl-oligosaccharide glucosidase; minus strand). Cytogenetic location: 2p13.1.
Variant type: single nucleotide variant.
Coding change: c.7C>G on transcript NM_006302.3 (MANE Select); coding-DNA position 7, C replaced by G.
Protein change: p.Arg3Gly; replaces arginine 3 with glycine.
Molecular consequence: missense variant. On other transcripts: intron variant (1).
Genome position (GRCh38, 1-based): chr2:74,465,241, G>C on the plus strand (C>G on the coding strand, the complement: MOGS is on the minus strand). VCF-style: chr2-74465241-G-C. GRCh37 (hg19) VCF-style: chr2-74692368-G-C.
Other names: c.-59+73C>G (NM_001146158.2); short protein forms R3G.
Identifiers: ClinVar variation 1942506 (VCV001942506.3), dbSNP rs1246940304, ClinGen allele CA347383925.
Genomic context (GRCh38, chr2:74,465,241, plus strand): 5'-CCGCCCTCTCGGCTGTCCGCACTCCCTCTGCCGGCACTGCGCGGCGCCGCCGCTCGCCCC[G>C]AGCCATCCTGGCACTGAGGTCCGCGTCACAAGAGCTCGGAGAGGCGGCAGTGGAGCCCGG-3'
Protein context (NP_006293.2, residues 1-13): MA[Arg3Gly]GERRRRAVPA

ClinVar aggregate classification (germline): Uncertain significance (1 of 4 stars; one submission).

Conditions:
MOGS-congenital disorder of glycosylation. Also called: CDG IIb; GLUCOSIDASE I DEFICIENCY; CDG 2B; MOGS-CDG. Identifiers: Orphanet 79330, MedGen C1853736, MONDO:0011629, OMIM 606056.

Allele frequency attached by ClinVar (database versions not stated): gnomAD 0.00001.

Submission:

Labcorp Genetics (formerly Invitae), Labcorp
Classification: Uncertain significance for MOGS-congenital disorder of glycosylation. Last evaluated: 2022-03-09. Review status: criteria provided, single submitter. Criteria: Invitae Variant Classification Sherloc (09022015). Collection method: clinical testing. Allele origin: germline.
Comment: In summary, the available evidence is currently insufficient to determine the role of this variant in disease. Therefore, it has been classified as a Variant of Uncertain Significance. Algorithms developed to predict the effect of missense changes on protein structure and function are either unavailable or do not agree on the potential impact of this missense change (SIFT: "Tolerated"; PolyPhen-2: "Possibly Damaging"; Align-GVGD: "Class C0"). This variant has not been reported in the literature in individuals affected with MOGS-related conditions. This variant is present in population databases (no rsID available, gnomAD 0.007%). This sequence change replaces arginine, which is basic and polar, with glycine, which is neutral and non-polar, at codon 3 of the MOGS protein (p.Arg3Gly).